The following is an entry in ClinVar:

ClinVar aggregate classification (germline): Uncertain significance. Review status: criteria provided, multiple submitters, no conflicts (2 of 4 stars). 3 submissions from 3 submitters: Uncertain significance (2). 1 of the submissions does not count toward it. Last evaluated 2025-02-18.

Conditions:
Primary ciliary dyskinesia. Also called: Ciliary dyskinesia. Identifiers: Orphanet 244, MedGen C0008780, MONDO:0016575, HP:0012265.
Primary ciliary dyskinesia 7. Also called: CILIARY DYSKINESIA, PRIMARY, 7, WITH OR WITHOUT SITUS INVERSUS. Identifiers: Orphanet 244, MedGen C2678473, MONDO:0012748, OMIM 611884.

Allele frequency attached by ClinVar (database versions not stated): gnomAD exomes 0.00001.
gnomAD v4.1: 9 of 1,606,328 alleles (0.00056%); highest among the groups gnomAD compares: Non-Finnish European, 0.00076%; no homozygotes.

Submissions (3):

Broad Center for Mendelian Genomics, Broad Institute of MIT and Harvard
Classification: Uncertain significance for Primary ciliary dyskinesia 7. Last evaluated: 2025-02-18. Review status: criteria provided, single submitter. Criteria: ACMG Guidelines, 2015. Collection method: curation. Allele origin: germline. Inheritance: Autosomal recessive inheritance.
Comment: The p.Pro2591Leu variant in DNAH11 has been reported, in the compound heterozygous state, in 1 individual with primary ciliary dyskinesia (Variation ID: 36981; PMID: 22102620), and has been identified in 0.0008% (9/1176488) of European (non-Finnish) chromosomes by the Genome Aggregation Database (gnomAD; dbSNP ID: rs387907258). Although this variant has been seen in the general population in a heterozygous state, its frequency is low enough to be consistent with a recessive carrier frequency. Computational prediction tools and conservation analyses do not provide strong support for or against an impact to the protein. In summary, the clinical significance of the p.Pro2591Leu variant is uncertain. ACMG/AMP Criteria applied: PM2_supporting, PM3_supporting (Richards 2015).

Labcorp Genetics (formerly Invitae), Labcorp
Classification: Uncertain significance for Primary ciliary dyskinesia. Last evaluated: 2018-05-28. Review status: criteria provided, single submitter. Criteria: Invitae Variant Classification Sherloc (09022015). Collection method: clinical testing. Allele origin: germline.
Comment: This variant is not present in population databases (ExAC no frequency). This sequence change replaces proline with leucine at codon 2591 of the DNAH11 protein (p.Pro2591Leu). The proline residue is highly conserved and there is a moderate physicochemical difference between proline and leucine. In summary, the available evidence is currently insufficient to determine the role of this variant in disease. Therefore, it has been classified as a Variant of Uncertain Significance. Algorithms developed to predict the effect of missense changes on protein structure and function do not agree on the potential impact of this missense change (SIFT: "Tolerated"; PolyPhen-2: "Probably Damaging"; Align-GVGD: "Class C0"). This variant has been reported in combination with a pathogenic variant in DNAH11 in an individual affected with primary ciliary dyskinesia (PMID: 22102620). ClinVar contains an entry for this variant (Variation ID: 36982).

OMIM
Classification: Pathogenic for CILIARY DYSKINESIA, PRIMARY, 7. Last evaluated: 2012-03-01. Review status: no assertion criteria provided. Collection method: literature only. Allele origin: germline. Not counted in ClinVar's aggregate classification.

Literature cited by the submitters: PubMed 22102620 (cited by Labcorp Genetics (formerly Invitae), Labcorp and OMIM).

NM_001277115.2(DNAH11):c.7772C>T (p.Pro2591Leu)

Gene: DNAH11 (dynein axonemal heavy chain 11; plus strand). Cytogenetic location: 7p15.3.
Variant type: single nucleotide variant.
Coding change: c.7772C>T on transcript NM_001277115.2 (MANE Select); coding-DNA position 7772, C replaced by T.
Protein change: p.Pro2591Leu; replaces proline 2591 with leucine.
Molecular consequence: missense variant.
Genome position (GRCh38, 1-based): chr7:21,738,827, C>T. VCF-style: chr7-21738827-C-T. GRCh37 (hg19) VCF-style: chr7-21778445-C-T.
Other names: P2598L; NM_001277115.2(DNAH11):c.7772C>T; p.Pro2591Leu; short protein forms P2591L.
Identifiers: ClinVar variation 36982 (VCV000036982.11), dbSNP rs387907258, ClinGen allele CA260571.
Genomic context (GRCh38, chr7:21,738,827, plus strand): 5'-TGATTTATTTTATCGACGACATGAACATGCCTGAAGTGGACTTATATGGCACCGTTCAGC[C>T]TCACACCCTGATCCGGCAGCATATTGATTATGGACATTGGTAAGCAAGTCTCTGTAGTTT-3'
Protein context (NP_001264044.1, residues 2581-2601): PEVDLYGTVQ[Pro2591Leu]HTLIRQHIDY